The following is an entry in ClinVar:

NM_000540.3(RYR1):c.7783C>T (p.Leu2595Phe)

Gene: RYR1 (ryanodine receptor 1; plus strand). Cytogenetic location: 19q13.2.
Variant type: single nucleotide variant.
Coding change: c.7783C>T on transcript NM_000540.3 (MANE Select); coding-DNA position 7783, C replaced by T.
Protein change: p.Leu2595Phe; replaces leucine 2595 with phenylalanine.
Molecular consequence: missense variant.
Genome position (GRCh38, 1-based): chr19:38,502,675, C>T. VCF-style: chr19-38502675-C-T. GRCh37 (hg19) VCF-style: chr19-38993315-C-T.
Other names: c.7783C>T, p.Leu2595Phe (NM_001042723.2); short protein forms L2595F.
Identifiers: ClinVar variation 2767017 (VCV002767017.4), dbSNP rs1320706811, ClinGen allele CA405672126.
Genomic context (GRCh38, chr19:38,502,675, plus strand): 5'-CGCGCCATCATGGTGGACTCTATGCTGCATACCGTGTACCGCCTGTCTCGGGGTCGTTCG[C>T]TCACCAAGGCGCAGCGTGACGTCATCGAGGACTGCCTCATGTCGCTCTGCAGGTGGAGCG-3'
Protein context (NP_000531.2, residues 2585-2605): TVYRLSRGRS[Leu2595Phe]TKAQRDVIED

ClinVar aggregate classification (germline): Uncertain significance. Review status: criteria provided, multiple submitters, no conflicts (2 of 4 stars). 2 submissions from 2 submitters: Uncertain significance (2). Last evaluated 2025-03-17.

Conditions:
RYR1-related disorder. Also called: RYR1-related condition; RYR1-related disorders. Identifiers: MedGen CN239331.

Allele frequency attached by ClinVar (database versions not stated): gnomAD exomes below 0.00001; TOPMed below 0.00001; gnomAD 0.00001.
gnomAD v4.1: 4 of 1,610,062 alleles (0.00025%); highest among the groups gnomAD compares: African/African-American, 0.0013%; no homozygotes.

Submissions (2):

GeneDx
Classification: Uncertain significance. Last evaluated: 2025-03-17. Review status: criteria provided, single submitter. Criteria: GeneDx Variant Classification Process June 2021. Collection method: clinical testing. Allele origin: germline. Affected: yes.
Comment: Not observed at significant frequency in large population cohorts (gnomAD); In silico analysis supports that this missense variant has a deleterious effect on protein structure/function; Has not been previously published as pathogenic or benign to our knowledge

Labcorp Genetics (formerly Invitae), Labcorp
Classification: Uncertain significance for RYR1-related disorder. Last evaluated: 2024-08-29. Review status: criteria provided, single submitter. Criteria: Invitae Variant Classification Sherloc (09022015). Collection method: clinical testing. Allele origin: germline.
Comment: This sequence change replaces leucine, which is neutral and non-polar, with phenylalanine, which is neutral and non-polar, at codon 2595 of the RYR1 protein (p.Leu2595Phe). This variant is not present in population databases (gnomAD no frequency). This variant has not been reported in the literature in individuals affected with RYR1-related conditions. Invitae Evidence Modeling of protein sequence and biophysical properties (such as structural, functional, and spatial information, amino acid conservation, physicochemical variation, residue mobility, and thermodynamic stability) indicates that this missense variant is expected to disrupt RYR1 protein function with a positive predictive value of 80%. In summary, the available evidence is currently insufficient to determine the role of this variant in disease. Therefore, it has been classified as a Variant of Uncertain Significance.